The following is an entry in ClinVar:

NM_001171613.2(PREPL):c.1828-3_1828-2insCACAAATGTCCTATCTATGGGTGAGACCCAGGAGGGGAGGGAGGGACACTGTGTCAATCAAG

Genes: PREPL (prolyl endopeptidase like; minus strand), SLC3A1 (solute carrier family 3 member 1; plus strand). Cytogenetic location: 2p21.
Variant type: Insertion.
Coding change: c.1828-3_1828-2insCACAAATGTCCTATCTATGGGTGAGACCCAGGAGGGGAGGGAGGGACACTGTGTCAATCAAG on transcript NM_001171613.2 (MANE Select); 3 bases into the intron before coding-DNA position 1828 through the canonical splice acceptor site of the intron before coding-DNA position 1828, CACAAATGTCCTATCTATGGGTGAGACCCAGGAGGGGAGGGAGGGACACTGTGTCAATCAAG inserted.
Molecular consequence: intron variant. On other transcripts: 3 prime UTR variant (1).
Genome position: GRCh38: chr2:44,321,447-44,321,448. GRCh37 (hg19): chr2:44,548,586-44,548,587.
Other names: c.*808_*809insCTTGATTGACACAGTGTCCCTCCCTCCCCTCCTGGGTCTCACCCATAGATAGGACATTTGTG (NM_000341.4); c.1828-3_1828-2insCACAAATGTCCTATCTATGGGTGAGACCCAGGAGGGGAGGGAGGGACACTGTGTCAATCAAG (NM_001171617.1, NM_001374277.1); c.2095-3_2095-2insCACAAATGTCCTATCTATGGGTGAGACCCAGGAGGGGAGGGAGGGACACTGTGTCAATCAAG (NM_001171603.1, NM_001374275.1, NM_001374276.1 and 2 more transcripts); c.1909-3_1909-2insCACAAATGTCCTATCTATGGGTGAGACCCAGGAGGGGAGGGAGGGACACTGTGTCAATCAAG (NM_001042385.2); c.1897-3_1897-2insCACAAATGTCCTATCTATGGGTGAGACCCAGGAGGGGAGGGAGGGACACTGTGTCAATCAAG (NM_001042386.2).
Identifiers: ClinVar variation 2133084 (VCV002133084.4), dbSNP rs2466033201, ClinGen allele CA2580066532.

ClinVar aggregate classification (germline): Uncertain significance (1 of 4 stars; one submission).

Conditions:
Myasthenic syndrome, congenital, 22 (CMS22). Also called: PREPL DEFICIENCY. Identifiers: MedGen C4479088, MONDO:0044299, OMIM 616224.

Submission:

Labcorp Genetics (formerly Invitae), Labcorp
Classification: Uncertain significance for Myasthenic syndrome, congenital, 22. Last evaluated: 2022-05-03. Review status: criteria provided, single submitter. Criteria: Invitae Variant Classification Sherloc (09022015). Collection method: clinical testing. Allele origin: germline.
Comment: This sequence change falls in intron 13 of the PREPL gene. It does not directly change the encoded amino acid sequence of the PREPL protein. It affects a nucleotide within the consensus splice site. In summary, the available evidence is currently insufficient to determine the role of this variant in disease. Therefore, it has been classified as a Variant of Uncertain Significance. Variants that disrupt the consensus splice site are a relatively common cause of aberrant splicing (PMID: 17576681, 9536098). Algorithms developed to predict the effect of sequence changes on RNA splicing suggest that this variant may disrupt the consensus splice site. This variant has not been reported in the literature in individuals affected with PREPL-related conditions. This variant is not present in population databases (gnomAD no frequency).

Literature cited by the submitters: PubMed 17576681; PubMed 9536098.